The following is an entry in ClinVar:

ClinVar aggregate classification (germline): Pathogenic (1 of 4 stars; one submission).

Conditions:
Multiple endocrine neoplasia, type 1 (MEN1). Also called: MEN I; WERMER SYNDROME; Endocrine adenomatosis multiple; MEN 1; MEA I. Identifiers: Orphanet 652, MedGen C0025267, MeSH D018761, MONDO:0007540, OMIM 131100.

Submission:

Labcorp Genetics (formerly Invitae), Labcorp
Classification: Pathogenic for Multiple endocrine neoplasia, type 1. Last evaluated: 2024-07-05. Review status: criteria provided, single submitter. Criteria: Invitae Variant Classification Sherloc (09022015). Collection method: clinical testing. Allele origin: germline.
Comment: This sequence change creates a premature translational stop signal (p.Glu491Aspfs*68) in the MEN1 gene. While this is not anticipated to result in nonsense mediated decay, it is expected to disrupt the last 120 amino acid(s) of the MEN1 protein. This variant is not present in population databases (gnomAD no frequency). This variant has not been reported in the literature in individuals affected with MEN1-related conditions. ClinVar contains an entry for this variant (Variation ID: 527285). This variant disrupts a region of the MEN1 protein in which other variant(s) (p.Arg516Glyfs*43) have been determined to be pathogenic (PMID: 9215689, 12112656, 12213668, 15670192, 17065424, 17853334, 23321498). This suggests that this is a clinically significant region of the protein, and that variants that disrupt it are likely to be disease-causing. For these reasons, this variant has been classified as Pathogenic.

Literature cited by the submitters: PubMed 9215689; PubMed 12112656; PubMed 12213668; PubMed 15670192; PubMed 17065424; PubMed 17853334; PubMed 23321498.

NM_001370259.2(MEN1):c.1473del (p.Glu491fs)

Gene: MEN1 (menin 1; minus strand). Cytogenetic location: 11q13.1.
Variant type: Deletion.
Coding change: c.1473del on transcript NM_001370259.2 (MANE Select); coding-DNA position 1473, one base deleted (G; older notation c.1473delG).
Protein change: p.Glu491fs; shifts the reading frame from glutamic acid 491.
Molecular consequence: frameshift variant.
Genome position (GRCh38, 1-based): chr11:64,804,694, C deleted on the plus strand (G on the coding strand, the reverse complement: MEN1 is on the minus strand). VCF-style (leftmost placement, unchanged base first): chr11-64804693-GC-G. GRCh37 (hg19) VCF-style: chr11-64572165-GC-G.
Other names: c.1473delG (NM_130799.2); c.1488del, p.Glu496fs (NM_000244.4, NM_130800.3, NM_130801.3 and 3 more transcripts); c.1599del, p.Glu533fs (NM_001370251.2); c.1473del, p.Glu491fs (NM_001370260.2, NM_001370261.2, NM_130799.3); c.1368del, p.Glu456fs (NM_001370262.2, NM_001370263.2); short protein forms E491fs, E533fs, E456fs, E496fs.
Identifiers: ClinVar variation 527285 (VCV000527285.8), dbSNP rs1555163646, ClinGen allele CA658797662.